The following is an entry in ClinVar:

NC_000003.12:g.169764973G>A

Genes: TERC (telomerase RNA component; minus strand), LOC110806306 (telomerase RNA component (TERC) promoter; plus strand). Cytogenetic location: 3q26.2.
Variant type: single nucleotide variant.
Genome position: GRCh38 VCF-style: chr3-169764973-G-A. GRCh37 (hg19) VCF-style: chr3-169482761-G-A.
Identifiers: ClinVar variation 1347940 (VCV001347940.6), dbSNP rs2108183299, ClinGen allele CA436715843.

ClinVar aggregate classification (germline): Uncertain significance (1 of 4 stars; one submission).

Conditions:
Dyskeratosis congenita, autosomal dominant 1 (DKCA1). Also called: Dyskeratosis congenita Scoggins type. Identifiers: Orphanet 1775, MedGen C4551974, MONDO:0007485, OMIM 127550. Inheritance: Variable.

Submission:

Labcorp Genetics (formerly Invitae), Labcorp
Classification: Uncertain significance for Dyskeratosis congenita, autosomal dominant 1. Last evaluated: 2021-07-09. Review status: criteria provided, single submitter. Criteria: Invitae Variant Classification Sherloc (09022015). Collection method: clinical testing. Allele origin: germline.
Comment: This variant is located within the template/pseudoknot domain of the TERC RNA component, which is required for RNA or RNP stability (PMID: 15082312, 21844345). This variant occurs in the TERC gene, which encodes an RNA molecule that does not result in a protein product. This variant is not present in population databases (ExAC no frequency). This variant has not been reported in the literature in individuals affected with TERC-related conditions. This variant is located in a region of TERC in which a significant number of disease causing variants has been reported (PMID: 15082312, 21844345, 21931702). These observations suggest that this may be a clinically significant region. In summary, the available evidence is currently insufficient to determine the role of this variant in disease. Therefore, it has been classified as a Variant of Uncertain Significance.

Literature cited by the submitters: PubMed 15082312; PubMed 21844345; PubMed 21931702.